The following is an entry in ClinVar:

NM_001161352.2(KCNMA1):c.2306A>C (p.Lys769Thr)

Genes: KCNMA1 (potassium calcium-activated channel subfamily M alpha 1; minus strand), KCNMA1-AS1 (KCNMA1 antisense RNA 1; plus strand). Cytogenetic location: 10q22.3.
Variant type: single nucleotide variant.
Coding change: c.2306A>C on transcript NM_001161352.2 (MANE Select); coding-DNA position 2306, A replaced by C.
Protein change: p.Lys769Thr; replaces lysine 769 with threonine.
Molecular consequence: missense variant.
Genome position (GRCh38, 1-based): chr10:76,970,028, T>G on the plus strand (A>C on the coding strand, the complement: KCNMA1 is on the minus strand). VCF-style: chr10-76970028-T-G. GRCh37 (hg19) VCF-style: chr10-78729786-T-G.
Other names: c.2144A>C, p.Lys715Thr (NM_001014797.3, NM_001322835.2, NM_001322837.2); c.2132A>C, p.Lys711Thr (NM_001161353.2, NM_001322832.2, NM_002247.4); c.1982A>C, p.Lys661Thr (NM_001271518.2); c.2141A>C, p.Lys714Thr (NM_001271519.2, NM_001322829.2, NM_001322836.2); c.2153A>C, p.Lys718Thr (NM_001322830.2); c.1679A>C, p.Lys560Thr (NM_001322838.2); short protein forms K560T, K661T, K711T, K714T, K718T, K769T, K715T.
Identifiers: ClinVar variation 1525836 (VCV001525836.6), dbSNP rs2075559827, ClinGen allele CA377408423.

ClinVar aggregate classification (germline): Uncertain significance (1 of 4 stars; one submission).

Conditions:
Generalized epilepsy-paroxysmal dyskinesia syndrome (PNKD3). Also called: Generalized epilepsy and paroxysmal dyskinesia; Paroxysmal nonkinesigenic dyskinesia, 3, with or without generalized epilepsy. Identifiers: Orphanet 79137, MedGen C5574945, MONDO:0012276, OMIM 609446.

Allele frequency attached by ClinVar (database versions not stated): gnomAD exomes below 0.00001; TOPMed below 0.00001; gnomAD 0.00001.
gnomAD v4.1: 6 of 1,577,088 alleles (0.00038%); highest among the groups gnomAD compares: Admixed American, 0.0017%; no homozygotes.

Submission:

Labcorp Genetics (formerly Invitae), Labcorp
Classification: Uncertain significance for Generalized epilepsy-paroxysmal dyskinesia syndrome. Last evaluated: 2025-07-08. Review status: criteria provided, single submitter. Criteria: Invitae Variant Classification Sherloc (09022015). Collection method: clinical testing. Allele origin: germline.
Comment: This sequence change replaces lysine, which is basic and polar, with threonine, which is neutral and polar, at codon 711 of the KCNMA1 protein (p.Lys711Thr). This variant is not present in population databases (gnomAD no frequency). This variant has not been reported in the literature in individuals affected with KCNMA1-related conditions. ClinVar contains an entry for this variant (Variation ID: 1525836). Invitae Evidence Modeling of protein sequence and biophysical properties (such as structural, functional, and spatial information, amino acid conservation, physicochemical variation, residue mobility, and thermodynamic stability) indicates that this missense variant is not expected to disrupt KCNMA1 protein function with a negative predictive value of 80%. In summary, the available evidence is currently insufficient to determine the role of this variant in disease. Therefore, it has been classified as a Variant of Uncertain Significance.